The following is an entry in ClinVar:

NM_001369268.1(ACAN):c.1028G>A (p.Arg343His)

Gene: ACAN (aggrecan; plus strand). Cytogenetic location: 15q26.1.
Variant type: single nucleotide variant.
Coding change: c.1028G>A on transcript NM_001369268.1 (MANE Select); coding-DNA position 1028, G replaced by A.
Protein change: p.Arg343His; replaces arginine 343 with histidine.
Molecular consequence: missense variant.
Genome position (GRCh38, 1-based): chr15:88,843,625, G>A. VCF-style: chr15-88843625-G-A. GRCh37 (hg19) VCF-style: chr15-89386856-G-A.
Other names: c.1028G>A, p.Arg343His (NM_001135.4, NM_001411096.1, NM_001411097.1 and 1 more transcripts); c.1028G>A (NM_013227.3); short protein forms R343H.
Identifiers: ClinVar variation 1949355 (VCV001949355.6), dbSNP rs763412179, ClinGen allele CA7719429.

ClinVar aggregate classification (germline): Uncertain significance. Review status: criteria provided, multiple submitters, no conflicts (2 of 4 stars). 2 submissions from 2 submitters: Uncertain significance (2). Last evaluated 2025-05-04.

Conditions:
Inborn genetic diseases. Identifiers: MedGen C0950123, MeSH D030342.

Allele frequency attached by ClinVar (database versions not stated): gnomAD 0.00001; ExAC 0.00003; TOPMed 0.00003.
gnomAD v4.1: 39 of 1,585,786 alleles (0.0025%); highest among the groups gnomAD compares: Middle Eastern, 0.017%; no homozygotes.

Submissions (2):

Ambry Genetics
Classification: Uncertain significance for Inborn genetic diseases. Last evaluated: 2025-05-04. Review status: criteria provided, single submitter. Criteria: Ambry Variant Classification Scheme 2023. Collection method: clinical testing. Allele origin: germline.

Labcorp Genetics (formerly Invitae), Labcorp
Classification: Uncertain significance. Last evaluated: 2024-08-31. Review status: criteria provided, single submitter. Criteria: Invitae Variant Classification Sherloc (09022015). Collection method: clinical testing. Allele origin: germline.
Comment: This sequence change replaces arginine, which is basic and polar, with histidine, which is basic and polar, at codon 343 of the ACAN protein (p.Arg343His). This variant is present in population databases (rs763412179, gnomAD 0.02%). This variant has not been reported in the literature in individuals affected with ACAN-related conditions. ClinVar contains an entry for this variant (Variation ID: 1949355). Invitae Evidence Modeling of protein sequence and biophysical properties (such as structural, functional, and spatial information, amino acid conservation, physicochemical variation, residue mobility, and thermodynamic stability) indicates that this missense variant is not expected to disrupt ACAN protein function with a negative predictive value of 80%. In summary, the available evidence is currently insufficient to determine the role of this variant in disease. Therefore, it has been classified as a Variant of Uncertain Significance.